The following is an entry in ClinVar:

ClinVar aggregate classification (germline): Pathogenic. Review status: criteria provided, multiple submitters, no conflicts (2 of 4 stars). 3 submissions from 3 submitters: Pathogenic (3). Last evaluated 2025-10-23.
ClinVar aggregate classification (oncogenicity): Oncogenic (1 of 4 stars; one submission).

Conditions:
Retinoblastoma (RB1). Also called: RETINOBLASTOMA, SOMATIC. Identifiers: Orphanet 790, MedGen C0035335, MeSH D012175, MONDO:0008380, OMIM 180200, HP:0009919. Disease mechanism: loss of function. Inheritance: Both sporadic and heritable forms are tested..
Neoplasm. Also called: tumor; Neoplasms; Neoplasm (disease). Identifiers: MedGen C0027651, MeSH D009369, MONDO:0005070, HP:0002664.

Submissions (4):

Labcorp Genetics (formerly Invitae), Labcorp
Classification: Pathogenic for Retinoblastoma. Last evaluated: 2025-10-23. Review status: criteria provided, single submitter. Criteria: Invitae Variant Classification Sherloc (09022015). Collection method: clinical testing. Allele origin: germline.
Comment: This sequence change creates a premature translational stop signal (p.Gln631*) in the RB1 gene. It is expected to result in an absent or disrupted protein product. Loss-of-function variants in RB1 are known to be pathogenic (PMID: 17096365). This variant is not present in population databases (gnomAD no frequency). This premature translational stop signal has been observed in individual(s) with retinoblastoma (PMID: 12955724). This variant is also known as g.153284C>T. ClinVar contains an entry for this variant (Variation ID: 860313). For these reasons, this variant has been classified as Pathogenic.

Center for Genomic Medicine, Rigshospitalet, Copenhagen University Hospital
Classification: Oncogenic for Neoplasm. Last evaluated: 2025-03-04. Review status: criteria provided, single submitter. Criteria: ClinGen/CGC/VICC Guidelines for Oncogenicity, 2022. Collection method: clinical testing. Allele origin: somatic. Affected: yes.

Genetic Diagnostic Laboratory, University of Pennsylvania School of Medicine
Classification: Pathogenic for Retinoblastoma. Last evaluated: 2024-05-20. Review status: criteria provided, single submitter. Criteria: ACMG Guidelines, 2015. Collection method: clinical testing. Allele origin: germline. Affected: yes. Observed: 1 variant allele.
Comment: Case and Pedigree Information: BILATERAL CASES:1, UNILATERAL CASES:0, TOTAL CASES:1, PEDIGREES:1. ACMG Codes Applied:PVS1, PM2

ARUP Laboratories, Molecular Genetics and Genomics, ARUP Laboratories
Classification: Pathogenic. Last evaluated: 2022-03-31. Review status: criteria provided, single submitter. Criteria: ARUP Molecular Germline Variant Investigation Process 2021. Collection method: clinical testing. Allele origin: germline.
Comment: The RB1 c.1891C>T; p.Gln631Ter variant (rs1217977493) is reported in the literature in an individual with retinoblastoma (Kiran 2003). The variant is listed in the ClinVar database (Variation ID: 860313), but is absent from the Genome Aggregation Database, indicating it is not a common polymorphism. This variant induces an early termination codon and is predicted to result in a truncated protein or mRNA subject to nonsense-mediated decay. Additionally, several downstream truncating variants have been described in individuals with retinoblastoma and are considered pathogenic (Taylor 2007). Based on available information, this variant is classified as pathogenic. References: Kiran VS et al. Mutational screening of the RB1 gene in Indian patients with retinoblastoma reveals eight novel and several recurrent mutations. Hum Mutat. 2003 Oct;22(4):339. PMID: 12955724. Taylor M et al. Genotype-phenotype correlations in hereditary familial retinoblastoma. Hum Mutat. 2007 Mar;28(3):284-93. PMID: 17096365.

Literature cited by the submitters: PubMed 17096365 (cited by Labcorp Genetics (formerly Invitae), Labcorp and Center for Genomic Medicine, Rigshospitalet, Copenhagen University Hospital); PubMed 12955724 (cited by Labcorp Genetics (formerly Invitae), Labcorp and Center for Genomic Medicine, Rigshospitalet, Copenhagen University Hospital).

NM_000321.3(RB1):c.1891C>T (p.Gln631Ter)

Gene: RB1 (RB transcriptional corepressor 1; plus strand). Cytogenetic location: 13q14.2.
Variant type: single nucleotide variant.
Coding change: c.1891C>T on transcript NM_000321.3 (MANE Select); coding-DNA position 1891, C replaced by T.
Protein change: p.Gln631Ter; replaces glutamine 631 with a stop codon.
Molecular consequence: nonsense.
Genome position (GRCh38, 1-based): chr13:48,456,280, C>T. VCF-style: chr13-48456280-C-T. GRCh37 (hg19) VCF-style: chr13-49030416-C-T.
Other names: short protein forms Q631*.
Identifiers: ClinVar variation 860313 (VCV000860313.15), dbSNP rs1217977493, ClinGen allele CA388166017.
Genomic context (GRCh38, chr13:48,456,280, plus strand): 5'-AGATCTCCAAAGAAAAAAGGTTCAACTACGCGTGTAAATTCTACTGCAAATGCAGAGACA[C>T]AAGCAACCTCAGCCTTCCAGACCCAGAAGCCATTGAAATCTACCTCTCTTTCACTGTTTT-3'